The following is an entry in ClinVar:

NM_000090.4(COL3A1):c.2793G>C (p.Glu931Asp)

Gene: COL3A1 (collagen type III alpha 1 chain; plus strand). Cytogenetic location: 2q32.2.
Variant type: single nucleotide variant.
Coding change: c.2793G>C on transcript NM_000090.4 (MANE Select); coding-DNA position 2793, G replaced by C.
Protein change: p.Glu931Asp; replaces glutamic acid 931 with aspartic acid.
Molecular consequence: missense variant.
Genome position (GRCh38, 1-based): chr2:189,004,113, G>C. VCF-style: chr2-189004113-G-C. GRCh37 (hg19) VCF-style: chr2-189868839-G-C.
Other names: p.Glu931Asp; short protein forms E931D.
Identifiers: ClinVar variation 4540780 (VCV004540780.1).
Genomic context (GRCh38, chr2:189,004,113, plus strand): 5'-TGGTGCTCCTGGCAGCCCTGGAGTGTCTGGACCAAAAGGTGATGCTGGCCAACCAGGAGA[G>C]AAGGGATCGCCTGGTGCCCAGGGCCCACCAGTAAGTAACTTCATTTTTTTAAATTGATTC-3'
Protein context (NP_000081.2, residues 921-941): GPKGDAGQPG[Glu931Asp]KGSPGAQGPP

ClinVar aggregate classification (germline): Uncertain significance (1 of 4 stars; one submission).

Submission:

Mayo Clinic Laboratories, Mayo Clinic
Classification: Uncertain significance. Last evaluated: 2025-01-18. Review status: criteria provided, single submitter. Criteria: ACMG Guidelines, 2015. Collection method: clinical testing. Allele origin: germline. Observed: 1 variant allele.
Comment: PM2_supporting